The following is an entry in ClinVar:

NM_001037.5(SCN1B):c.448+90C>T

Gene: SCN1B (sodium voltage-gated channel beta subunit 1; plus strand). Cytogenetic location: 19q13.11.
Variant type: single nucleotide variant.
Coding change: c.448+90C>T on transcript NM_001037.5 (MANE Select); 90 bases into the intron after coding-DNA position 448, C replaced by T.
Molecular consequence: intron variant. On other transcripts: missense variant (1).
Genome position (GRCh38, 1-based): chr19:35,033,829, C>T. VCF-style: chr19-35033829-C-T. GRCh37 (hg19) VCF-style: chr19-35524733-C-T.
Other names: c.538C>T, p.Leu180Phe (NM_199037.5); c.349+90C>T (NM_001321605.2); short protein forms L180F.
Identifiers: ClinVar variation 1371605 (VCV001371605.8), dbSNP rs781079912, ClinGen allele CA405329263.

ClinVar aggregate classification (germline): Uncertain significance (1 of 4 stars; one submission).

Conditions:
Brugada syndrome 5 (BRGDA5). Identifiers: Orphanet 130, Orphanet 871, MedGen C2748541, MONDO:0013015, OMIM 612838.

gnomAD v4.1: 1 of 1,612,616 alleles (0.000062%); highest among the groups gnomAD compares: Admixed American, 0.0017%; no homozygotes.

Submission:

Labcorp Genetics (formerly Invitae), Labcorp
Classification: Uncertain significance for Brugada syndrome 5. Last evaluated: 2023-07-07. Review status: criteria provided, single submitter. Criteria: Invitae Variant Classification Sherloc (09022015). Collection method: clinical testing. Allele origin: germline.
Comment: This variant is present in population databases (no rsID available, gnomAD 0.003%). This sequence change replaces leucine, which is neutral and non-polar, with phenylalanine, which is neutral and non-polar, at codon 180 of the SCN1B protein (p.Leu180Phe). This variant has not been reported in the literature in individuals affected with SCN1B-related conditions. ClinVar contains an entry for this variant (Variation ID: 1371605). An algorithm developed to predict the effect of missense changes on protein structure and function (PolyPhen-2) suggests that this variant is likely to be disruptive. In summary, the available evidence is currently insufficient to determine the role of this variant in disease. Therefore, it has been classified as a Variant of Uncertain Significance.